The following is an entry in ClinVar:

ClinVar aggregate classification (germline): Uncertain significance (1 of 4 stars; one submission).

Conditions:
Perlman syndrome (PRLMNS). Identifiers: Orphanet 2849, MedGen C0796113, MONDO:0009965, OMIM 267000.

Submission:

Labcorp Genetics (formerly Invitae), Labcorp
Classification: Uncertain significance for Renal hamartomas nephroblastomatosis and fetal gigantism. Last evaluated: 2019-06-05. Review status: criteria provided, single submitter. Criteria: Invitae Variant Classification Sherloc (09022015). Collection method: clinical testing. Allele origin: germline.
Comment: This variant results in a copy number gain of the genomic region encompassing exons 15-21 of the DIS3L2 gene. The 5' boundary is likely confined to intron 14. The 3' end of this event is unknown as it extends beyond the assayed region for this gene and therefore may encompass additional genes. As the precise location of this event is unknown, it may be in tandem or it may be located elsewhere in the genome. This variant has not been reported in the literature in individuals with DIS3L2-related disease. Experimental studies are not available for this variant, and the functional significance of a copy number gain of these exons is currently unknown. In summary, the available evidence is currently insufficient to determine the role of this variant in disease. Therefore, it has been classified as a Variant of Uncertain Significance.

NC_000002.11:g.(?_233194513)_(233201350_?)dup

Gene: DIS3L2 (DIS3 like 3'-5' exoribonuclease 2; plus strand). Cytogenetic location: 2q37.1.
Variant type: Duplication.
Identifiers: ClinVar variation 646405 (VCV000646405.2).